The following is an entry in ClinVar:

NM_152703.5(SAMD9L):c.1565C>T (p.Ala522Val)

Gene: SAMD9L (sterile alpha motif domain containing 9 like; minus strand). Cytogenetic location: 7q21.2.
Variant type: single nucleotide variant.
Coding change: c.1565C>T on transcript NM_152703.5 (MANE Select); coding-DNA position 1565, C replaced by T.
Protein change: p.Ala522Val; replaces alanine 522 with valine.
Molecular consequence: missense variant.
Genome position (GRCh38, 1-based): chr7:93,134,407, G>A on the plus strand (C>T on the coding strand, the complement: SAMD9L is on the minus strand). VCF-style: chr7-93134407-G-A. GRCh37 (hg19) VCF-style: chr7-92763720-G-A.
Other names: p.Ala522Val; c.1565C>T, p.Ala522Val (NM_001303496.3, NM_001303497.3, NM_001303498.3 and 5 more transcripts); short protein forms A522V.
Identifiers: ClinVar variation 1168626 (VCV001168626.17), dbSNP rs151304501, ClinGen allele CA4343710.

ClinVar aggregate classification (germline): Benign/Likely benign. Review status: criteria provided, multiple submitters, no conflicts (2 of 4 stars). 7 submissions from 7 submitters: Benign (6); Likely benign (1). Last evaluated 2026-02-03.

Conditions:
Monosomy 7 myelodysplasia and leukemia syndrome 1. Also called: Familial Mosaic Monosomy 7 Syndrome; Monosomy 7 of bone marrow; CHROMOSOME 7q DELETION. Identifiers: MedGen C1854978, MONDO:0009646, OMIM 252270.
Ataxia-pancytopenia syndrome (ATXPC). Also called: SAMD9L Ataxia-Pancytopenia Syndrome; SAMD9L-Related Syndrome. Identifiers: Orphanet 2585, MedGen C1327919, MONDO:0008038, OMIM 159550.
Spinocerebellar ataxia 49 (SCA49). Identifiers: Orphanet 631106, MedGen C5676950, MONDO:0030805, OMIM 619806.

Allele frequency attached by ClinVar (database versions not stated): 1000 Genomes Project 0.00699; 1000 Genomes Project 30x 0.00718; gnomAD exomes 0.01390 and 0.01906; ExAC 0.01430; ESP Exome Variant Server 0.01622.
gnomAD v4.1: 29,751 of 1,613,374 alleles (1.8%); highest among the groups gnomAD compares: Non-Finnish European, 2.3%; 324 homozygotes.

Submissions (7):

Labcorp Genetics (formerly Invitae), Labcorp
Classification: Benign. Last evaluated: 2026-02-03. Review status: criteria provided, single submitter. Criteria: Invitae Variant Classification Sherloc (09022015). Collection method: clinical testing. Allele origin: germline.

ARUP Laboratories, Molecular Genetics and Genomics, ARUP Laboratories
Classification: Benign. Last evaluated: 2025-06-24. Review status: criteria provided, single submitter. Criteria: ARUP Molecular Germline Variant Investigation Process 2024. Collection method: clinical testing. Allele origin: germline.

Blueprint Genetics
Classification: Likely benign. Last evaluated: 2024-11-27. Review status: criteria provided, single submitter. Criteria: ACMG Guidelines, 2015. Collection method: clinical testing. Allele origin: germline.

Mayo Clinic Laboratories, Mayo Clinic
Classification: Benign. Last evaluated: 2023-09-20. Review status: criteria provided, single submitter. Criteria: ACMG Guidelines, 2015. Collection method: clinical testing. Allele origin: germline. Observed: 42 variant alleles.
Comment: BS1, BS2, BP4

GeneDx
Classification: Benign. Last evaluated: 2020-07-06. Review status: criteria provided, single submitter. Criteria: GeneDx Variant Classification Process June 2021. Collection method: clinical testing. Allele origin: germline. Affected: yes.
Comment: This variant is associated with the following publications: (PMID: 31053103)

Department of Pathology and Laboratory Medicine, Sinai Health System
Classification: Benign for Ataxia-pancytopenia syndrome; Monosomy 7 myelodysplasia and leukemia syndrome 1; Spinocerebellar ataxia 49. Last evaluated: 2020-06-29. Review status: criteria provided, single submitter. Criteria: ACMG Guidelines, 2015. Collection method: research. Allele origin: germline.

Breakthrough Genomics
Classification: Benign. Review status: criteria provided, single submitter. Criteria: ACMG Guidelines, 2015. Collection method: not provided. Allele origin: germline. Inheritance: Autosomal dominant inheritance. Affected: yes.

Literature cited by the submitters: PubMed 31053103 (cited by Mayo Clinic Laboratories, Mayo Clinic).